The following is an entry in ClinVar:

ClinVar aggregate classification (germline): Pathogenic/Likely pathogenic. Review status: criteria provided, multiple submitters, no conflicts (2 of 4 stars). 2 submissions from 2 submitters: Pathogenic (1); Likely pathogenic (1). Last evaluated 2023-10-30.

Conditions:
Methylmalonic aciduria, cblB type (MACB). Also called: Vitamin B12-responsive methylmalonic acidemia type cblB; Methylmalonic acidemia cblB type; METHYLMALONIC ACIDURIA, VITAMIN B12-RESPONSIVE, DUE TO DEFECT IN SYNTHESIS OF ADENOSYLCOBALAMIN, cblB TYPE. Identifiers: Orphanet 28, Orphanet 79311, MedGen C1855102, MONDO:0009614, OMIM 251110.

Submissions (2):

Baylor Genetics
Classification: Likely pathogenic for Methylmalonic aciduria, cblB type. Last evaluated: 2023-10-30. Review status: criteria provided, single submitter. Criteria: ACMG Guidelines, 2015. Collection method: clinical testing. Allele origin: unknown.

Labcorp Genetics (formerly Invitae), Labcorp
Classification: Pathogenic for Methylmalonic aciduria, cblB type. Last evaluated: 2023-07-29. Review status: criteria provided, single submitter. Criteria: Invitae Variant Classification Sherloc (09022015). Collection method: clinical testing. Allele origin: germline.
Comment: This variant is not present in population databases (gnomAD no frequency). For these reasons, this variant has been classified as Pathogenic. This variant disrupts a region of the MMAB protein in which other variant(s) (p.Gln234*) have been determined to be pathogenic (PMID: 16410054). This suggests that this is a clinically significant region of the protein, and that variants that disrupt it are likely to be disease-causing. This variant has not been reported in the literature in individuals affected with MMAB-related conditions. This sequence change creates a premature translational stop signal (p.Ala192Argfs*21) in the MMAB gene. While this is not anticipated to result in nonsense mediated decay, it is expected to disrupt the last 59 amino acid(s) of the MMAB protein.

Literature cited by the submitters: PubMed 16410054 (cited by Labcorp Genetics (formerly Invitae), Labcorp).

NM_052845.4(MMAB):c.574_577del (p.Ala192fs)

Gene: MMAB (metabolism of cobalamin associated B; minus strand). Cytogenetic location: 12q24.11.
Variant type: Deletion.
Coding change: c.574_577del on transcript NM_052845.4 (MANE Select); coding-DNA positions 574 to 577, 4 bases deleted (GCCG; older notation c.574_577delGCCG).
Protein change: p.Ala192fs; shifts the reading frame from alanine 192.
Molecular consequence: frameshift variant. On other transcripts: non-coding transcript variant (1).
Genome position (GRCh38, 1-based): chr12:109,561,047-109,561,050, CGGC deleted on the plus strand (GCCG on the coding strand, the reverse complement: MMAB is on the minus strand); deleting any 4 consecutive bases within chr12:109,561,047-109,561,051 gives the same sequence; the c. name uses the placement nearest the transcript's 3' end. VCF-style (leftmost placement, unchanged base first): chr12-109561046-TCGGC-T. GRCh37 (hg19) VCF-style: chr12-109998851-TCGGC-T.
Other names: short protein forms A192fs.
Identifiers: ClinVar variation 2676612 (VCV002676612.4), dbSNP rs747499304, ClinGen allele CA2062448112.
Genomic context (GRCh38, chr12:109,561,046, plus strand): 5'-CCCTTGTTCCTCTCCCTCTCCCTTGGGCCCTCTCCCTCTCTCCAGCCCTCTTACCGTCTC[TCGGC>T]CCGGCGGCACACGGCCCGGCAGAAATGCAGCGCCGAGCTGATCTTGCCTCCCGACTGAAA-3'